The following is an entry in ClinVar:

NM_000350.3(ABCA4):c.1034A>G (p.Tyr345Cys)

Gene: ABCA4 (ATP binding cassette subfamily A member 4; minus strand). Cytogenetic location: 1p22.1.
Variant type: single nucleotide variant.
Coding change: c.1034A>G on transcript NM_000350.3 (MANE Select); coding-DNA position 1034, A replaced by G.
Protein change: p.Tyr345Cys; replaces tyrosine 345 with cysteine.
Molecular consequence: missense variant.
Genome position (GRCh38, 1-based): chr1:94,080,543, T>C on the plus strand (A>G on the coding strand, the complement: ABCA4 is on the minus strand). VCF-style: chr1-94080543-T-C. GRCh37 (hg19) VCF-style: chr1-94546099-T-C.
Other names: NM_000350.3(ABCA4):c.1034A>G; p.Tyr345Cys; c.1034A>G, p.Tyr345Cys (NM_001425324.1); short protein forms Y345C.
Identifiers: ClinVar variation 866242 (VCV000866242.7), dbSNP rs1417184535, ClinGen allele CA341284037.

ClinVar aggregate classification (germline): Pathogenic. Review status: reviewed by expert panel (3 of 4 stars). 3 submissions from 3 submitters: Pathogenic (1). 2 of the submissions do not count toward it. Last evaluated 2025-12-05.

Conditions:
ABCA4-related retinopathy. Also called: ABCA4 retinoapthy; ABCA4-related retinoapthy. Identifiers: MedGen CN322612, MONDO:0800406.
ABCA4-related disorder. Also called: ABCA4-related condition; ABCA4-related disorders. Identifiers: MedGen CN239167.

Allele frequency attached by ClinVar (database versions not stated): TOPMed below 0.00001.

Submissions (3):

ClinGen ABCA4 Variant Curation Expert Panel, Clingen
Classification: Pathogenic for ABCA4-related retinopathy. Last evaluated: 2025-12-05. Review status: reviewed by expert panel. Criteria: ClinGen ABCA4 ACMG Specifications V1.0.0. Collection method: curation. Allele origin: germline. Inheritance: Autosomal recessive inheritance.
Comment: The NM_000350.3(ABCA4):c.1034A>G variant in ABCA4 is a missense variant predicted to cause substitution of tyrosine to cysteine at amino acid 345 (p.Tyr345Cys). This variant is absent from gnomAD v4.1.0 (PM2_Supporting). The computational predictor REVEL gives a score of 0.82 which is above the threshold of >0.772, evidence that predicts a damaging effect on ABCA4 function (PP3_Moderate). The prevalence of the ABCA4:c.1034A>G variant in affected individuals is significantly increased compared with the prevalence in controls with that odds ratio at infinity and the confidence interval is from 7.87 to infinity, which is above the ABCA4 VCEP threshold of >5, where the CI does not contain 1 (PS4; PMID: 35120629). This variant was reported in multiple individuals with ABCA4-related retinopathy (PMID: 29925512, 33301772). One proband was reported to be a compound heterozygous for the variant and a pathogenic variant confirmed in trans by Sanger sequencing (PMID: 33301772, PM3). ATPase activity assays using transfected HEK293 cells showed the Tyr345Cys variant to have ~20% lower basal activity, significantly lower substrate-stimulated ATPase activity, and severely reduced transport activity compared to wildtype, indication of this variant’s negative impact to protein function (PS3_Supporting; PMID: 34625547). In summary, this variant meets the criteria to be classified as pathogenic for ABCA4-related retinopathy based on the ACMG/AMP criteria applied, as specified by the ClinGen ABCA4 VCEP (Specification Version 1.0): PS4, PS3_Supporting, PM3, PP3_Moderate, PM2_Supporting.

Labcorp Genetics (formerly Invitae), Labcorp
Classification: Pathogenic. Last evaluated: 2025-05-03. Review status: criteria provided, single submitter. Criteria: Invitae Variant Classification Sherloc (09022015). Collection method: clinical testing. Allele origin: germline. Not counted in ClinVar's aggregate classification.
Comment: This sequence change replaces tyrosine, which is neutral and polar, with cysteine, which is neutral and slightly polar, at codon 345 of the ABCA4 protein (p.Tyr345Cys). This variant is not present in population databases (gnomAD no frequency). This missense change has been observed in individual(s) with Stargardt disease (PMID: 28446513, 29925512, 33301772). ClinVar contains an entry for this variant (Variation ID: 866242). Invitae Evidence Modeling of protein sequence and biophysical properties (such as structural, functional, and spatial information, amino acid conservation, physicochemical variation, residue mobility, and thermodynamic stability) indicates that this missense variant is expected to disrupt ABCA4 protein function with a positive predictive value of 95%. For these reasons, this variant has been classified as Pathogenic.

Blueprint Genetics
Classification: Pathogenic for ABCA4-related disorders. Last evaluated: 2020-09-23. Review status: criteria provided, single submitter. Criteria: ACMG Guidelines, 2015. Collection method: clinical testing. Allele origin: germline. Affected: yes. Observed: 2 variant alleles. Not counted in ClinVar's aggregate classification.

Literature cited by the submitters: PubMed 34625547 (cited by ClinGen ABCA4 Variant Curation Expert Panel, Clingen); PubMed 28446513 (cited by Labcorp Genetics (formerly Invitae), Labcorp); PubMed 29925512 (cited by Labcorp Genetics (formerly Invitae), Labcorp); PubMed 33301772 (cited by Labcorp Genetics (formerly Invitae), Labcorp).